The following is an entry in ClinVar:

ClinVar aggregate classification (germline): Uncertain significance. Review status: criteria provided, multiple submitters, no conflicts (2 of 4 stars). 2 submissions from 2 submitters: Uncertain significance (2). Last evaluated 2022-06-13.

Conditions:
Retinitis pigmentosa 38 (RP38). Also called: ROD-CONE DYSTROPHY, CHILDHOOD-ONSET. Identifiers: Orphanet 791, MedGen C3151228, MONDO:0013469, OMIM 613862.

Submissions (2):

Labcorp Genetics (formerly Invitae), Labcorp
Classification: Uncertain significance. Last evaluated: 2022-06-13. Review status: criteria provided, single submitter. Criteria: Invitae Variant Classification Sherloc (09022015). Collection method: clinical testing. Allele origin: germline.
Comment: In summary, the available evidence is currently insufficient to determine the role of this variant in disease. Therefore, it has been classified as a Variant of Uncertain Significance. Algorithms developed to predict the effect of missense changes on protein structure and function are either unavailable or do not agree on the potential impact of this missense change (SIFT: "Deleterious"; PolyPhen-2: "Probably Damaging"; Align-GVGD: "Class C15"). ClinVar contains an entry for this variant (Variation ID: 955168). This variant has not been reported in the literature in individuals affected with MERTK-related conditions. This variant is not present in population databases (gnomAD no frequency). This sequence change replaces phenylalanine, which is neutral and non-polar, with leucine, which is neutral and non-polar, at codon 199 of the MERTK protein (p.Phe199Leu).

Baylor Genetics
Classification: Uncertain significance for Retinitis pigmentosa 38. Last evaluated: 2019-07-09. Review status: criteria provided, single submitter. Criteria: ACMG Guidelines, 2015. Collection method: clinical testing. Allele origin: unknown. Affected: yes.
Comment: This variant was determined to be of uncertain significance according to ACMG Guidelines, 2015 [PMID:25741868].

NM_006343.3(MERTK):c.597T>A (p.Phe199Leu)

Gene: MERTK (MER proto-oncogene, tyrosine kinase; plus strand). Cytogenetic location: 2q13.
Variant type: single nucleotide variant.
Coding change: c.597T>A on transcript NM_006343.3 (MANE Select); coding-DNA position 597, T replaced by A.
Protein change: p.Phe199Leu; replaces phenylalanine 199 with leucine.
Molecular consequence: missense variant.
Genome position (GRCh38, 1-based): chr2:111,947,407, T>A. VCF-style: chr2-111947407-T-A. GRCh37 (hg19) VCF-style: chr2-112704984-T-A.
Other names: short protein forms F199L.
Identifiers: ClinVar variation 955168 (VCV000955168.10), dbSNP rs1573591956, ClinGen allele CA348228974.
Genomic context (GRCh38, chr2:111,947,407, plus strand): 5'-CTGTTTTCAGATCTGAAACATTCTTTTGTGTAACGTTTTCTCCGCAGGACTTCCTCACTT[T>A]ACTAAGCAGCCTGAGAGCATGAATGTCACCAGAAACACAGCCTTCAACCTCACCTGTCAG-3'
Protein context (NP_006334.2, residues 189-209): IYIEVQGLPH[Phe199Leu]TKQPESMNVT